The following is an entry in ClinVar:

ClinVar aggregate classification (germline): Uncertain significance. Review status: criteria provided, single submitter (1 of 4 stars). 2 submissions from 2 submitters: Uncertain significance (1). 1 of the submissions does not count toward it. Last evaluated 2020-09-01.

Conditions:
Nemaline myopathy 2 (NEM2). Also called: Nemaline myopathy 2, autosomal recessive. Identifiers: MedGen C1850569, MONDO:0009725, OMIM 256030.

Allele frequency attached by ClinVar (database versions not stated): gnomAD 0.00001.
gnomAD v4.1: 4 of 1,613,874 alleles (0.00025%); highest among the groups gnomAD compares: African/African-American, 0.0013%; no homozygotes.

Submissions (2):

Labcorp Genetics (formerly Invitae), Labcorp
Classification: Uncertain significance for Nemaline myopathy 2. Last evaluated: 2020-09-01. Review status: criteria provided, single submitter. Criteria: Invitae Variant Classification Sherloc (09022015). Collection method: clinical testing. Allele origin: germline.
Comment: Algorithms developed to predict the effect of missense changes on protein structure and function are either unavailable or do not agree on the potential impact of this missense change (SIFT: "Deleterious"; PolyPhen-2: "Not Available"; Align-GVGD: "Class C0"). In summary, the available evidence is currently insufficient to determine the role of this variant in disease. Therefore, it has been classified as a Variant of Uncertain Significance. This variant has not been reported in the literature in individuals with NEB-related conditions. This variant is not present in population databases (ExAC no frequency). This sequence change replaces lysine with asparagine at codon 4057 of the NEB protein (p.Lys4057Asn). The lysine residue is moderately conserved and there is a moderate physicochemical difference between lysine and asparagine.

Natera, Inc.
Classification: Uncertain significance for Nemaline myopathy type 2. Last evaluated: 2020-03-25. Review status: no assertion criteria provided. Collection method: clinical testing. Allele origin: germline. Not counted in ClinVar's aggregate classification.

NM_001164508.2(NEB):c.12171G>T (p.Lys4057Asn)

Gene: NEB (nebulin; minus strand). Cytogenetic location: 2q23.3.
Variant type: single nucleotide variant.
Coding change: c.12171G>T on transcript NM_001164508.2 (MANE Select); coding-DNA position 12171, G replaced by T.
Protein change: p.Lys4057Asn; replaces lysine 4057 with asparagine.
Molecular consequence: missense variant.
Genome position (GRCh38, 1-based): chr2:151,609,968, C>A on the plus strand (G>T on the coding strand, the complement: NEB is on the minus strand). VCF-style: chr2-151609968-C-A. GRCh37 (hg19) VCF-style: chr2-152466482-C-A.
Other names: c.12171G>T, p.Lys4057Asn (NM_001164507.2, NM_001271208.2); c.11442G>T, p.Lys3814Asn (NM_004543.5); short protein forms K4057N, K3814N.
Identifiers: ClinVar variation 1035074 (VCV001035074.12), dbSNP rs747847680, ClinGen allele CA348777351.